The following is an entry in ClinVar:

NM_001199138.2(NLRC4):c.2375A>T (p.Lys792Met)

Gene: NLRC4 (NLR family CARD domain containing 4; minus strand). Cytogenetic location: 2p22.3.
Variant type: single nucleotide variant.
Coding change: c.2375A>T on transcript NM_001199138.2 (MANE Select); coding-DNA position 2375, A replaced by T.
Protein change: p.Lys792Met; replaces lysine 792 with methionine.
Molecular consequence: missense variant.
Genome position (GRCh38, 1-based): chr2:32,238,278, T>A on the plus strand (A>T on the coding strand, the complement: NLRC4 is on the minus strand). VCF-style: chr2-32238278-T-A. GRCh37 (hg19) VCF-style: chr2-32463347-T-A.
Other names: c.2375A>T, p.Lys792Met (NM_001199139.2, NM_021209.5); c.380A>T, p.Lys127Met (NM_001302504.2); short protein forms K127M, K792M.
Identifiers: ClinVar variation 2931213 (VCV002931213.3), dbSNP rs753274448, ClinGen allele CA1601804.
Genomic context (GRCh38, chr2:32,238,278, plus strand): 5'-ACTATGTAATCCATTCCCTCTCCAATGTCAGACAAGTGGGTCAAATGAAATAAACACATC[T>A]TCTTCAGGTTTTTCAGGCCTTCAGCTGAAAAATGATAGAAAGGAATGCATTAGGATACCA-3'
Protein context (NP_001186067.1, residues 782-802): KLAEGLKNLK[Lys792Met]MCLFHLTHLS

ClinVar aggregate classification (germline): Uncertain significance (1 of 4 stars; one submission).

Conditions:
Periodic fever-infantile enterocolitis-autoinflammatory syndrome. Also called: Autoinflammation with infantile enterocolitis. Identifiers: Orphanet 436166, MedGen C4015067, MONDO:0014472, OMIM 616050.
Familial cold autoinflammatory syndrome 4 (FCAS4). Identifiers: Orphanet 47045, Orphanet 576349, MedGen C4015276, MONDO:0014498, OMIM 616115.

Allele frequency attached by ClinVar (database versions not stated): TOPMed below 0.00001; ExAC 0.00001; gnomAD exomes 0.00001.
gnomAD v4.1: 7 of 1,610,874 alleles (0.00043%); highest among the groups gnomAD compares: Non-Finnish European, 0.00059%; no homozygotes.

Submission:

Labcorp Genetics (formerly Invitae), Labcorp
Classification: Uncertain significance for Periodic fever-infantile enterocolitis-autoinflammatory syndrome; Familial cold autoinflammatory syndrome 4. Last evaluated: 2026-01-26. Review status: criteria provided, single submitter. Criteria: Invitae Variant Classification Sherloc (09022015). Collection method: clinical testing. Allele origin: germline.
Comment: This sequence change replaces lysine, which is basic and polar, with methionine, which is neutral and non-polar, at codon 792 of the NLRC4 protein (p.Lys792Met). This variant is present in population databases (rs753274448, gnomAD 0.004%). This variant has not been reported in the literature in individuals affected with NLRC4-related conditions. ClinVar contains an entry for this variant (Variation ID: 2931213). Invitae Evidence Modeling of protein sequence and biophysical properties (such as structural, functional, and spatial information, amino acid conservation, physicochemical variation, residue mobility, and thermodynamic stability) indicates that this missense variant is not expected to disrupt NLRC4 protein function with a negative predictive value of 80%. In summary, the available evidence is currently insufficient to determine the role of this variant in disease. Therefore, it has been classified as a Variant of Uncertain Significance.